The following is an entry in ClinVar:

NM_000744.7(CHRNA4):c.830T>C (p.Leu277Pro)

Gene: CHRNA4 (cholinergic receptor nicotinic alpha 4 subunit; minus strand). Cytogenetic location: 20q13.33.
Variant type: single nucleotide variant.
Coding change: c.830T>C on transcript NM_000744.7 (MANE Select); coding-DNA position 830, T replaced by C.
Protein change: p.Leu277Pro; replaces leucine 277 with proline.
Molecular consequence: missense variant. On other transcripts: non-coding transcript variant (1).
Genome position (GRCh38, 1-based): chr20:63,350,581, A>G on the plus strand (T>C on the coding strand, the complement: CHRNA4 is on the minus strand). VCF-style: chr20-63350581-A-G. GRCh37 (hg19) VCF-style: chr20-61981933-A-G.
Other names: c.302T>C, p.Leu101Pro (NM_001256573.2); short protein forms L277P, L101P.
Identifiers: ClinVar variation 955311 (VCV000955311.9), dbSNP rs2068578781, ClinGen allele CA409636567.
Genomic context (GRCh38, chr20:63,350,581, plus strand): 5'-GGGATGATCTCGGTGATGAGCAGCAGGAAGACGGTGAGCGACAGCAGCACGGAGATGCAC[A>G]GCGTGATCTTCTCGCCACACTCGGAGGGCAGGTAGAAGACCAGCACGGTGAGGCAGGAGA-3'
Protein context (NP_000735.1, residues 267-287): LPSECGEKIT[Leu277Pro]CISVLLSLTV

ClinVar aggregate classification (germline): Uncertain significance (1 of 4 stars; one submission).

Conditions:
Familial sleep-related hypermotor epilepsy. Also called: Autosomal Dominant Sleep-Related Hypermotor (Hyperkinetic) Epilepsy. Identifiers: Orphanet 98784, MedGen C3696898, MONDO:0000030.

Allele frequency attached by ClinVar (database versions not stated): gnomAD exomes below 0.00001.
gnomAD v4.1: 2 of 1,614,048 alleles (0.00012%); highest among the groups gnomAD compares: Non-Finnish European, 0.000085%; no homozygotes.

Submission:

Labcorp Genetics (formerly Invitae), Labcorp
Classification: Uncertain significance. Last evaluated: 2019-08-07. Review status: criteria provided, single submitter. Criteria: Invitae Variant Classification Sherloc (09022015). Collection method: clinical testing. Allele origin: germline.
Comment: This sequence change replaces leucine with proline at codon 277 of the CHRNA4 protein (p.Leu277Pro). The leucine residue is highly conserved and there is a moderate physicochemical difference between leucine and proline. In summary, the available evidence is currently insufficient to determine the role of this variant in disease. Therefore, it has been classified as a Variant of Uncertain Significance. Algorithms developed to predict the effect of missense changes on protein structure and function are either unavailable or do not agree on the potential impact of this missense change (SIFT: "Deleterious"; PolyPhen-2: "Probably Damaging"; Align-GVGD: "Class C0"). This variant has not been reported in the literature in individuals with CHRNA4-related conditions. This variant is not present in population databases (ExAC no frequency).